The following is an entry in ClinVar:

ClinVar aggregate classification (germline): Uncertain significance. Review status: criteria provided, multiple submitters, no conflicts (2 of 4 stars). 4 submissions from 4 submitters: Uncertain significance (4). Last evaluated 2025-10-07.

Conditions:
SCN3A-related disorder. Also called: SCN3A-related condition.

Allele frequency attached by ClinVar (database versions not stated): gnomAD exomes below 0.00001 and 0.00001; TOPMed below 0.00001.
gnomAD v4.1: 11 of 1,614,006 alleles (0.00068%); highest among the groups gnomAD compares: Middle Eastern, 0.017%; no homozygotes.

Submissions (4):

PreventionGenetics, part of Exact Sciences
Classification: Uncertain significance for SCN3A-related condition. Last evaluated: 2025-10-07. Review status: criteria provided, single submitter. Criteria: ACMG Guidelines, 2015. Collection method: clinical testing. Allele origin: germline.
Comment: The SCN3A c.217G>A variant is predicted to result in the amino acid substitution p.Val73Met. To our knowledge, this variant has not been reported in the literature. This variant is reported in 0.0% of alleles in individuals of African descent in gnomAD. At this time, the clinical significance of this variant is uncertain due to the absence of conclusive functional and genetic evidence.

Labcorp Genetics (formerly Invitae), Labcorp
Classification: Uncertain significance. Last evaluated: 2025-07-27. Review status: criteria provided, single submitter. Criteria: Invitae Variant Classification Sherloc (09022015). Collection method: clinical testing. Allele origin: germline.
Comment: This sequence change replaces valine, which is neutral and non-polar, with methionine, which is neutral and non-polar, at codon 73 of the SCN3A protein (p.Val73Met). This variant is present in population databases (no rsID available, gnomAD 0.0009%). This variant has not been reported in the literature in individuals affected with SCN3A-related conditions. ClinVar contains an entry for this variant (Variation ID: 1302697). Invitae Evidence Modeling of protein sequence and biophysical properties (such as structural, functional, and spatial information, amino acid conservation, physicochemical variation, residue mobility, and thermodynamic stability) indicates that this missense variant is not expected to disrupt SCN3A protein function with a negative predictive value of 80%. In summary, the available evidence is currently insufficient to determine the role of this variant in disease. Therefore, it has been classified as a Variant of Uncertain Significance.

Women's Health and Genetics/Laboratory Corporation of America, LabCorp
Classification: Uncertain significance. Last evaluated: 2025-04-18. Review status: criteria provided, single submitter. Criteria: LabCorp Variant Classification Summary - May 2015. Collection method: clinical testing. Allele origin: germline.
Comment: Variant summary: SCN3A c.217G>A (p.Val73Met) results in a conservative amino acid change in the encoded protein sequence. Four of five in-silico tools predict a damaging effect of the variant on protein function. The variant allele was found at a frequency of 4e-06 in 251340 control chromosomes. The available data on variant occurrences in the general population are insufficient to allow any conclusion about variant significance. To our knowledge, no occurrence of c.217G>A in individuals affected with SCN3A-Related Disorders and no experimental evidence demonstrating its impact on protein function have been reported. ClinVar contains an entry for this variant (Variation ID: 1302697). Based on the evidence outlined above, the variant was classified as uncertain significance.

GeneDx
Classification: Uncertain significance. Last evaluated: 2019-06-10. Review status: criteria provided, single submitter. Criteria: GeneDx Variant Classification Process June 2021. Collection method: clinical testing. Allele origin: germline. Affected: yes.
Comment: Not observed at a significant frequency in large population cohorts (Lek et al., 2016); In silico analysis, which includes protein predictors and evolutionary conservation, supports a deleterious effect; Has not been previously published as pathogenic or benign to our knowledge

NM_006922.4(SCN3A):c.217G>A (p.Val73Met)

Gene: SCN3A (sodium voltage-gated channel alpha subunit 3; minus strand). Cytogenetic location: 2q24.3.
Variant type: single nucleotide variant.
Coding change: c.217G>A on transcript NM_006922.4 (MANE Select); coding-DNA position 217, G replaced by A.
Protein change: p.Val73Met; replaces valine 73 with methionine.
Molecular consequence: missense variant.
Genome position (GRCh38, 1-based): chr2:165,176,178, C>T on the plus strand (G>A on the coding strand, the complement: SCN3A is on the minus strand). VCF-style: chr2-165176178-C-T. GRCh37 (hg19) VCF-style: chr2-166032688-C-T.
Other names: c.217G>A, p.Val73Met (NM_001081676.2, NM_001081677.2); short protein forms V73M.
Identifiers: ClinVar variation 1302697 (VCV001302697.7), dbSNP rs915992958, ClinGen allele CA60231500.